The following is an entry in ClinVar:

NM_002485.5(NBN):c.622A>G (p.Lys208Glu)

Gene: NBN (nibrin; minus strand). Cytogenetic location: 8q21.3.
Variant type: single nucleotide variant.
Coding change: c.622A>G on transcript NM_002485.5 (MANE Select); coding-DNA position 622, A replaced by G.
Protein change: p.Lys208Glu; replaces lysine 208 with glutamic acid.
Molecular consequence: missense variant.
Genome position (GRCh38, 1-based): chr8:89,971,253, T>C on the plus strand (A>G on the coding strand, the complement: NBN is on the minus strand). VCF-style: chr8-89971253-T-C. GRCh37 (hg19) VCF-style: chr8-90983481-T-C.
Other names: c.376A>G, p.Lys126Glu (NM_001024688.3); short protein forms K126E, K208E.
Identifiers: ClinVar variation 2064643 (VCV002064643.4), dbSNP rs1272494402, ClinGen allele CA371659240.
Genomic context (GRCh38, chr8:89,971,253, plus strand): 5'-TAAATGTTTTCCCTTTGAAGATTTGTTTTCTTTCCTGCCGTCCTGACAGATCAACATTTT[T>C]ACTTCCAATAGATGGTTCATCAAGAGGTGGGTAAAAACTGTAAAAATAATTAAAGTATAT-3'
Protein context (NP_002476.2, residues 198-218): PPLDEPSIGS[Lys208Glu]NVDLSGRQER

ClinVar aggregate classification (germline): Uncertain significance. Review status: criteria provided, multiple submitters, no conflicts (2 of 4 stars). 2 submissions from 2 submitters: Uncertain significance (2). Last evaluated 2025-10-26.

Conditions:
Microcephaly, normal intelligence and immunodeficiency (NBS). Also called: Ataxia telangiectasia variant V1; SEEMANOVA SYNDROME II; IMMUNODEFICIENCY, MICROCEPHALY, AND CHROMOSOMAL INSTABILITY; Nijmegen breakage syndrome; BERLIN BREAKAGE SYNDROME; Microcephaly with normal intelligence immunodeficiency and lymphoreticular malignancies. Identifiers: Orphanet 647, MedGen C0398791, MONDO:0009623, OMIM 251260.
Hereditary cancer-predisposing syndrome. Also called: Tumor predisposition; Hereditary Cancer Syndrome; Hereditary neoplastic syndrome; Neoplastic Syndromes, Hereditary. Identifiers: Orphanet 140162, MedGen C0027672, MeSH D009386, MONDO:0015356.

gnomAD v4.1: 1 of 1,613,272 alleles (0.000062%); highest among the groups gnomAD compares: African/African-American, 0.0013%; no homozygotes.

Submissions (2):

Ambry Genetics
Classification: Uncertain significance for Hereditary cancer-predisposing syndrome. Last evaluated: 2025-10-26. Review status: criteria provided, single submitter. Criteria: Ambry Variant Classification Scheme 2023. Collection method: clinical testing. Allele origin: germline.
Comment: The p.K208E variant (also known as c.622A>G), located in coding exon 6 of the NBN gene, results from an A to G substitution at nucleotide position 622. The lysine at codon 208 is replaced by glutamic acid, an amino acid with similar properties. This amino acid position is conserved. In addition, this alteration is predicted to be tolerated by in silico analysis. Since supporting evidence is limited at this time, the clinical significance of this alteration remains unclear.

Labcorp Genetics (formerly Invitae), Labcorp
Classification: Uncertain significance for Microcephaly, normal intelligence and immunodeficiency. Last evaluated: 2021-12-29. Review status: criteria provided, single submitter. Criteria: Invitae Variant Classification Sherloc (09022015). Collection method: clinical testing. Allele origin: germline.
Comment: This sequence change replaces lysine, which is basic and polar, with glutamic acid, which is acidic and polar, at codon 208 of the NBN protein (p.Lys208Glu). This variant is present in population databases (no rsID available, gnomAD 0.007%). This variant has not been reported in the literature in individuals affected with NBN-related conditions. Algorithms developed to predict the effect of missense changes on protein structure and function output the following: SIFT: "Tolerated"; PolyPhen-2: "Benign"; Align-GVGD: "Class C0". The glutamic acid amino acid residue is found in multiple mammalian species, which suggests that this missense change does not adversely affect protein function. In summary, the available evidence is currently insufficient to determine the role of this variant in disease. Therefore, it has been classified as a Variant of Uncertain Significance.